The following is an entry in ClinVar:

NM_006035.4(CDC42BPB):c.858C>T (p.Leu286=)

Gene: CDC42BPB (CDC42 binding protein kinase beta; minus strand). Cytogenetic location: 14q32.32.
Variant type: single nucleotide variant.
Coding change: c.858C>T on transcript NM_006035.4 (MANE Select); coding-DNA position 858, C replaced by T.
Protein change: p.Leu286=; no amino-acid change (leucine 286 retained).
Molecular consequence: synonymous variant.
Genome position (GRCh38, 1-based): chr14:102,983,589, G>A on the plus strand (C>T on the coding strand, the complement: CDC42BPB is on the minus strand). VCF-style: chr14-102983589-G-A. GRCh37 (hg19) VCF-style: chr14-103449926-G-A.
Other names: c.858C>T, p.Leu286= (NM_001411054.1).
Identifiers: ClinVar variation 4872753 (VCV004872753.2).

ClinVar aggregate classification (germline): Likely benign (1 of 4 stars; one submission).

gnomAD v4.1: 144 of 1,608,246 alleles (0.009%); highest among the groups gnomAD compares: Admixed American, 0.045%; no homozygotes.

Submission:

CeGaT Center for Human Genetics Tuebingen
Classification: Likely benign. Last evaluated: 2026-04-01. Review status: criteria provided, single submitter. Criteria: CeGaT Center For Human Genetics Tuebingen Variant Classification Criteria Version 2. Collection method: clinical testing. Allele origin: germline. Affected: yes. Observed: 1 variant allele.
Comment: CDC42BPB: BP4, BP7